The following is an entry in ClinVar:

ClinVar aggregate classification (germline): Uncertain significance (1 of 4 stars; one submission).

Submission:

Mayo Clinic Laboratories, Mayo Clinic
Classification: Uncertain significance. Last evaluated: 2025-07-09. Review status: criteria provided, single submitter. Criteria: ACMG Guidelines, 2015. Collection method: clinical testing. Allele origin: germline. Observed: 1 variant allele.
Comment: PM4

NM_001129.5(AEBP1):c.823GAG[1] (p.Glu276del)

Gene: AEBP1 (AE binding protein 1; plus strand). Cytogenetic location: 7p13.
Variant type: Microsatellite.
Coding change: c.823GAG[1] on transcript NM_001129.5 (MANE Select); one copy of the 3-base unit GAG starting at c.823; the reference has two copies in a row; one copy, 3 bases deleted; also written c.826_828del.
Protein change: p.Glu276del; deletes glutamic acid 276.
Molecular consequence: inframe deletion.
Genome position (GRCh38, 1-based): chr7:44,107,895-44,107,897, GAG deleted; deleting any 3 consecutive bases within chr7:44,107,892-44,107,897 gives the same sequence; the position shown is the placement nearest the transcript's 3' end. VCF-style (leftmost placement, unchanged base first): chr7-44107891-TGAG-T. GRCh37 (hg19) VCF-style: chr7-44147490-TGAG-T.
Other names: p.Glu276del; c.826_828del (NM_001129.5); short protein forms E276del.
Identifiers: ClinVar variation 4541277 (VCV004541277.1).
Genomic context (GRCh38, chr7:44,107,891, plus strand): 5'-GCAACCCAGGCCACCCCCAAGCAGAAGGAGGAGGCCCGAGCGGGTCTGGCCAGAGCCCCC[TGAG>T]GAGAAGGCCCCGGCCCCAGCCCCGGAGGAGAGGATTGGTAGGATGGGGGGCAGGAGAGGA-3'